The following is an entry in ClinVar:

ClinVar aggregate classification (germline): Uncertain significance (1 of 4 stars; one submission).

Submission:

Labcorp Genetics (formerly Invitae), Labcorp
Classification: Uncertain significance. Last evaluated: 2025-11-23. Review status: criteria provided, single submitter. Criteria: Invitae Variant Classification Sherloc (09022015). Collection method: clinical testing. Allele origin: germline.
Comment: This sequence change replaces isoleucine, which is neutral and non-polar, with threonine, which is neutral and polar, at codon 1566 of the KMT2C protein (p.Ile1566Thr). This variant is not present in population databases (gnomAD no frequency). This variant has not been reported in the literature in individuals affected with KMT2C-related conditions. An algorithm developed to predict the effect of missense changes on protein structure and function (PolyPhen-2) suggests that this variant is likely to be disruptive. In summary, the available evidence is currently insufficient to determine the role of this variant in disease. Therefore, it has been classified as a Variant of Uncertain Significance.

NM_170606.3(KMT2C):c.4697T>C (p.Ile1566Thr)

Gene: KMT2C (lysine methyltransferase 2C; minus strand). Cytogenetic location: 7q36.1.
Variant type: single nucleotide variant.
Coding change: c.4697T>C on transcript NM_170606.3 (MANE Select); coding-DNA position 4697, T replaced by C.
Protein change: p.Ile1566Thr; replaces isoleucine 1566 with threonine.
Molecular consequence: missense variant.
Genome position (GRCh38, 1-based): chr7:152,187,811, A>G on the plus strand (T>C on the coding strand, the complement: KMT2C is on the minus strand). VCF-style: chr7-152187811-A-G. GRCh37 (hg19) VCF-style: chr7-151884896-A-G.
Other names: short protein forms I1566T.
Identifiers: ClinVar variation 4704489 (VCV004704489.1).